The following is an entry in ClinVar:

ClinVar aggregate classification (germline): Pathogenic/Likely pathogenic. Review status: criteria provided, multiple submitters, no conflicts (2 of 4 stars). 3 submissions from 3 submitters: Pathogenic (1); Likely pathogenic (2). Last evaluated 2025-12-22.

Conditions:
Gastrointestinal defects and immunodeficiency syndrome 1 (GIDID1). Also called: Combined immunodeficiency-enteropathy spectrum. Identifiers: Orphanet 436252, MedGen C5968858, MONDO:0800030, OMIM 243150.
Multiple gastrointestinal atresias. Also called: FAMILIAL INTESTINAL POLYATRESIA SYNDROME; Multiple intestinal atresia. Identifiers: Orphanet 2300, MedGen C0220744, MONDO:0009465.
TTC7A-related disorder. Also called: TTC7A-related condition.

Submissions (3):

Labcorp Genetics (formerly Invitae), Labcorp
Classification: Pathogenic for Multiple gastrointestinal atresias. Last evaluated: 2025-12-22. Review status: criteria provided, single submitter. Criteria: Invitae Variant Classification Sherloc (09022015). Collection method: clinical testing. Allele origin: germline.
Comment: This sequence change creates a premature translational stop signal (p.Phe64Leufs*15) in the TTC7A gene. It is expected to result in an absent or disrupted protein product. Loss-of-function variants in TTC7A are known to be pathogenic (PMID: 23830146, 24292712). This variant is present in population databases (no rsID available, gnomAD 0.01%). This variant has not been reported in the literature in individuals affected with TTC7A-related conditions. ClinVar contains an entry for this variant (Variation ID: 1071145). For these reasons, this variant has been classified as Pathogenic.

Blueprint Genetics
Classification: Likely pathogenic for TTC7A-related disorders. Last evaluated: 2022-07-17. Review status: criteria provided, single submitter. Criteria: ACMG Guidelines, 2015. Collection method: clinical testing. Allele origin: germline. Affected: yes. Observed: 1 variant allele.

Fulgent Genetics
Classification: Likely pathogenic for Gastrointestinal defects and immunodeficiency syndrome 1. Last evaluated: 2022-04-13. Review status: criteria provided, single submitter. Criteria: ACMG Guidelines, 2015. Collection method: clinical testing. Allele origin: unknown.

Literature cited by the submitters: PubMed 23830146 (cited by Labcorp Genetics (formerly Invitae), Labcorp); PubMed 24292712 (cited by Labcorp Genetics (formerly Invitae), Labcorp).

NM_020458.4(TTC7A):c.192del (p.Phe64fs)

Gene: TTC7A (tetratricopeptide repeat domain 7A; plus strand). Cytogenetic location: 2p21.
Variant type: Deletion.
Coding change: c.192del on transcript NM_020458.4 (MANE Select); coding-DNA position 192, one base deleted (T; older notation c.192delT).
Protein change: p.Phe64fs; shifts the reading frame from phenylalanine 64.
Molecular consequence: frameshift variant. On other transcripts: 5 prime UTR variant (1).
Genome position (GRCh38, 1-based): chr2:46,950,370, T deleted; the last of 3 consecutive T bases (chr2:46,950,368-46,950,370); deleting any one gives the same sequence. VCF-style (leftmost placement, unchanged base first): chr2-46950367-CT-C. GRCh37 (hg19) VCF-style: chr2-47177506-CT-C.
Other names: c.192del, p.Phe64fs (NM_001288951.2); c.90del, p.Phe30fs (NM_001288953.2); c.-713del (NM_001288955.2); short protein forms F30fs, F64fs.
Identifiers: ClinVar variation 1071145 (VCV001071145.10), dbSNP rs1476031758, ClinGen allele CA532704479.